The following is an entry in ClinVar:

NM_001283009.2(RTEL1):c.2809C>T (p.Pro937Ser)

Genes: RTEL1 (regulator of telomere elongation helicase 1; plus strand), RTEL1-TNFRSF6B (RTEL1-TNFRSF6B readthrough (NMD candidate); plus strand). Cytogenetic location: 20q13.33.
Variant type: single nucleotide variant.
Coding change: c.2809C>T on transcript NM_001283009.2 (MANE Select); coding-DNA position 2809, C replaced by T.
Protein change: p.Pro937Ser; replaces proline 937 with serine.
Molecular consequence: missense variant. On other transcripts: non-coding transcript variant (1).
Genome position (GRCh38, 1-based): chr20:63,692,961, C>T. VCF-style: chr20-63692961-C-T. GRCh37 (hg19) VCF-style: chr20-62324314-C-T.
Other names: c.2140C>T, p.Pro714Ser (NM_001283010.1); c.2809C>T, p.Pro937Ser (NM_016434.4); c.2881C>T, p.Pro961Ser (NM_032957.5); short protein forms P714S, P961S, P937S.
Identifiers: ClinVar variation 3435952 (VCV003435952.1).

ClinVar aggregate classification (germline): Uncertain significance (1 of 4 stars; one submission).

Conditions:
Inborn genetic diseases. Identifiers: MedGen C0950123, MeSH D030342.

gnomAD v4.1: 10 of 1,612,660 alleles (0.00062%); highest among the groups gnomAD compares: Admixed American, 0.0067%; 1 homozygote.

Submission:

Ambry Genetics
Classification: Uncertain significance for Inborn genetic diseases. Last evaluated: 2024-11-22. Review status: criteria provided, single submitter. Criteria: Ambry Variant Classification Scheme 2023. Collection method: clinical testing. Allele origin: germline.
Comment: The p.P937S variant (also known as c.2809C>T), located in coding exon 28 of the RTEL1 gene, results from a C to T substitution at nucleotide position 2809. The proline at codon 937 is replaced by serine, an amino acid with similar properties. This amino acid position is conserved. In addition, this alteration is predicted to be tolerated by in silico analysis. Based on the available evidence, the clinical significance of this variant remains unclear.